The following is an entry in ClinVar:

NM_006218.4(PIK3CA):c.1331A>C (p.Asn444Thr)

Gene: PIK3CA (phosphatidylinositol-4,5-bisphosphate 3-kinase catalytic subunit alpha; plus strand). Cytogenetic location: 3q26.32.
Variant type: single nucleotide variant.
Coding change: c.1331A>C on transcript NM_006218.4 (MANE Select); coding-DNA position 1331, A replaced by C.
Protein change: p.Asn444Thr; replaces asparagine 444 with threonine.
Molecular consequence: missense variant.
Genome position (GRCh38, 1-based): chr3:179,210,265, A>C. VCF-style: chr3-179210265-A-C. GRCh37 (hg19) VCF-style: chr3-178928053-A-C.
Other names: short protein forms N444T.
Identifiers: ClinVar variation 4841319 (VCV004841319.1).
Genomic context (GRCh38, chr3:179,210,265, plus strand): 5'-GGGGAAATATAAACTTGTTTGATTACACAGACACTCTAGTATCTGGAAAAATGGCTTTGA[A>C]TCTTTGGCCAGTACCTCATGGATTAGAAGATTTGCTGAACCCTATTGGTGTTACTGGATC-3'
Protein context (NP_006209.2, residues 434-454): DTLVSGKMAL[Asn444Thr]LWPVPHGLED

ClinVar aggregate classification (germline): Uncertain significance (1 of 4 stars; one submission).

Conditions:
Inborn genetic diseases. Identifiers: MedGen C0950123, MeSH D030342.

gnomAD v4.1: 4 of 1,596,444 alleles (0.00025%); highest among the groups gnomAD compares: Non-Finnish European, 0.00034%; no homozygotes.

Submission:

Ambry Genetics
Classification: Uncertain significance for Inborn genetic diseases. Last evaluated: 2026-03-02. Review status: criteria provided, single submitter. Criteria: Ambry Variant Classification Scheme 2023. Collection method: clinical testing. Allele origin: germline.
Comment: The p.N444T variant (also known as c.1331A>C), located in coding exon 7 of the PIK3CA gene, results from an A to C substitution at nucleotide position 1331. The asparagine at codon 444 is replaced by threonine, an amino acid with similar properties. This amino acid position is conserved. In addition, the in silico prediction for this alteration is inconclusive. Based on the available evidence, the clinical significance of this variant remains unclear.